The following is an entry in ClinVar:

ClinVar aggregate classification (germline): Pathogenic (1 of 4 stars; one submission).

Conditions:
Neurofibromatosis, type 1 (NF1). Also called: VON RECKLINGHAUSEN DISEASE; Peripheral type neurofibromatosis; NEUROFIBROMATOSIS, TYPE I, SOMATIC; Neurofibromatosis, type I. Identifiers: Orphanet 636, MedGen C0027831, MONDO:0018975, OMIM 162200. Disease mechanism: loss of function.

Submission:

Labcorp Genetics (formerly Invitae), Labcorp
Classification: Pathogenic for Neurofibromatosis, type 1. Last evaluated: 2025-11-19. Review status: criteria provided, single submitter. Criteria: Invitae Variant Classification Sherloc (09022015). Collection method: clinical testing. Allele origin: germline.
Comment: This sequence change creates a premature translational stop signal (p.Gly868Valfs*10) in the NF1 gene. It is expected to result in an absent or disrupted protein product. Loss-of-function variants in NF1 are known to be pathogenic (PMID: 10712197, 23913538). This variant is not present in population databases (gnomAD no frequency). This variant has not been reported in the literature in individuals affected with NF1-related conditions. For these reasons, this variant has been classified as Pathogenic.

Literature cited by the submitters: PubMed 10712197; PubMed 23913538.

NM_001042492.3(NF1):c.2603del (p.Gly868fs)

Gene: NF1 (neurofibromin 1; plus strand). Cytogenetic location: 17q11.2.
Variant type: Deletion.
Coding change: c.2603del on transcript NM_001042492.3 (MANE Select); coding-DNA position 2603, one base deleted (G; older notation c.2603delG).
Protein change: p.Gly868fs; shifts the reading frame from glycine 868.
Molecular consequence: frameshift variant.
Genome position (GRCh38, 1-based): chr17:31,229,218, G deleted; the last of 3 consecutive G bases (chr17:31,229,216-31,229,218); deleting any one gives the same sequence. VCF-style (leftmost placement, unchanged base first): chr17-31229215-TG-T. GRCh37 (hg19) VCF-style: chr17-29556233-TG-T.
Other names: c.2603del, p.Gly868fs (NM_000267.4); short protein forms G868fs.
Identifiers: ClinVar variation 4731527 (VCV004731527.1).